The following is an entry in ClinVar:

ClinVar aggregate classification (germline): Uncertain significance (1 of 4 stars; one submission).

Conditions:
Skeletal overgrowth-craniofacial dysmorphism-hyperelastic skin-white matter lesions syndrome. Also called: SKELETAL OVERGROWTH WITH FACIAL DYSMORPHISM, HYPERELASTIC SKIN, WHITE MATTER LESIONS, AND NEUROLOGIC DETERIORATION; Kosaki overgrowth syndrome. Identifiers: Orphanet 477831, MedGen C4225270, MONDO:0014704, OMIM 616592.
Infantile myofibromatosis (IMF). Also called: Congenital generalized fibromatosis. Identifiers: Orphanet 2591, MedGen C0432284, MONDO:0016824.
Basal ganglia calcification, idiopathic, 4 (PFBC4). Also called: Familial Idiopathic Basal Ganglia Calcification 4; PRIMARY FAMILIAL BRAIN CALCIFICATION 4, AUTOSOMAL DOMINANT. Identifiers: Orphanet 1980, MedGen C3554321, MONDO:0014004, OMIM 615007.
Acroosteolysis-keloid-like lesions-premature aging syndrome. Also called: Premature aging syndrome, Penttinen type; Prematurely aged appearance, delayed bone maturation, acro-osteolysis, and brachydactyly; Progeroid syndrome, Penttinen type. Identifiers: Orphanet 363665, MedGen C1866182, MONDO:0011150, OMIM 601812.

gnomAD v4.1: 6 of 1,557,898 alleles (0.00039%); highest among the groups gnomAD compares: South Asian, 0.0074%; no homozygotes.

Submission:

Labcorp Genetics (formerly Invitae), Labcorp
Classification: Uncertain significance for Basal ganglia calcification, idiopathic, 4; Skeletal overgrowth-craniofacial dysmorphism-hyperelastic skin-white matter lesions syndrome; Infantile myofibromatosis; Acroosteolysis-keloid-like lesions-premature aging syndrome. Last evaluated: 2024-05-31. Review status: criteria provided, single submitter. Criteria: Invitae Variant Classification Sherloc (09022015). Collection method: clinical testing. Allele origin: germline.
Comment: This sequence change replaces glutamine, which is neutral and polar, with lysine, which is basic and polar, at codon 31 of the PDGFRB protein (p.Gln31Lys). The frequency data for this variant in the population databases is considered unreliable, as metrics indicate poor data quality at this position in the gnomAD database. This variant has not been reported in the literature in individuals affected with PDGFRB-related conditions. Advanced modeling of protein sequence and biophysical properties (such as structural, functional, and spatial information, amino acid conservation, physicochemical variation, residue mobility, and thermodynamic stability) performed at Invitae indicates that this missense variant is not expected to disrupt PDGFRB protein function with a negative predictive value of 80%. In summary, the available evidence is currently insufficient to determine the role of this variant in disease. Therefore, it has been classified as a Variant of Uncertain Significance.

NM_002609.4(PDGFRB):c.91C>A (p.Gln31Lys)

Gene: PDGFRB (platelet derived growth factor receptor beta; minus strand). Cytogenetic location: 5q32.
Variant type: single nucleotide variant.
Coding change: c.91C>A on transcript NM_002609.4 (MANE Select); coding-DNA position 91, C replaced by A.
Protein change: p.Gln31Lys; replaces glutamine 31 with lysine.
Molecular consequence: missense variant. On other transcripts: 5 prime UTR variant (2).
Genome position (GRCh38, 1-based): chr5:150,135,828, G>T on the plus strand (C>A on the coding strand, the complement: PDGFRB is on the minus strand). VCF-style: chr5-150135828-G-T. GRCh37 (hg19) VCF-style: chr5-149515391-G-T.
Other names: c.-102C>A (NM_001355016.2); c.-427C>A (NM_001355017.2); short protein forms Q31K.
Identifiers: ClinVar variation 3751208 (VCV003751208.2).
Genomic context (GRCh38, chr5:150,135,828, plus strand): 5'-CGAAGGTGCTGGAGACATTGAGGACAAGCTCTGGCCCCGGGGGTGTGACGACCAGGCCCT[G>T]AGAGATCTGTGGTTCCAGAAGTAACAGGAGAGACAGCAACAGCAGCTCGCCTTTGGGAGA-3'
Protein context (NP_002600.1, residues 21-41): LLLLLEPQIS[Gln31Lys]GLVVTPPGPE